The following is an entry in ClinVar:

ClinVar aggregate classification (germline): Uncertain significance (1 of 4 stars; one submission).

Submission:

Labcorp Genetics (formerly Invitae), Labcorp
Classification: Uncertain significance. Last evaluated: 2022-03-15. Review status: criteria provided, single submitter. Criteria: Invitae Variant Classification Sherloc (09022015). Collection method: clinical testing. Allele origin: germline.
Comment: This variant is not present in population databases (gnomAD no frequency). In summary, the available evidence is currently insufficient to determine the role of this variant in disease. Therefore, it has been classified as a Variant of Uncertain Significance. Algorithms developed to predict the effect of sequence changes on RNA splicing suggest that this variant may disrupt the consensus splice site. This variant has not been reported in the literature in individuals affected with EYS-related conditions. This variant occurs in a non-coding region of the EYS gene. It does not change the encoded amino acid sequence of the EYS protein.

NM_001142800.2(EYS):c.-271del

Gene: EYS (EGF-like photoreceptor maintenance factor; minus strand). Cytogenetic location: 6q12.
Variant type: Deletion.
Coding change: c.-271del on transcript NM_001142800.2 (MANE Select); 271 bases upstream of the start codon, one base deleted (G; older notation c.-271delG).
Molecular consequence: 5 prime UTR variant.
Genome position (GRCh38, 1-based): chr6:65,495,932, C deleted on the plus strand (G on the coding strand, the reverse complement: EYS is on the minus strand). VCF-style (leftmost placement, unchanged base first): chr6-65495931-AC-A. GRCh37 (hg19) VCF-style: chr6-66205824-AC-A.
Other names: c.-271del (NM_001142801.2, NM_001292009.2, NM_198283.2).
Identifiers: ClinVar variation 1936470 (VCV001936470.5), dbSNP rs2533032936, ClinGen allele CA2580075700.
Genomic context (GRCh38, chr6:65,495,931, plus strand): 5'-TGTTTTCTCTTTACACCAAGCTTCAATCTAATCAAAACACAGCACAGCCAAGATTCTTTT[AC>A]AGATGGTTTCAATTTTCTTGGGAGATAAGCATTCCTCTTCTGATTAGTTTTCAAAAAACA-3'